The following is an entry in ClinVar:

ClinVar aggregate classification (germline): Conflicting classifications of pathogenicity. Review status: criteria provided, conflicting classifications (1 of 4 stars). 3 submissions from 3 submitters: Uncertain significance (1); Likely benign (2). Last evaluated 2026-04-27.

Conditions:
Familial thoracic aortic aneurysm and aortic dissection (TAAD). Also called: Thoracic aortic aneurysms and dissections. Identifiers: Orphanet 91387, MedGen C4707243, MONDO:0019625.
Heterotopia, periventricular, X-linked dominant (PVNH1). Also called: PERIVENTRICULAR NODULAR HETEROTOPIA 4; HETEROTOPIA, PERIVENTRICULAR, 1; X-linked periventricular heterotopia; PERIVENTRICULAR NODULAR HETEROTOPIA 1. Identifiers: Orphanet 2149, Orphanet 82004, MedGen C1848213, MONDO:0010233, OMIM 300049.
Oto-palato-digital syndrome, type II (OPD2). Also called: Otopalatodigital Syndrome, Type II; Otopalatodigital Syndrome Type 2 (FLNA-OPD2); FACIOPALATOOSSEOUS SYNDROME; OPD II SYNDROME. Identifiers: Orphanet 669, Orphanet 90652, MedGen C1844696, MONDO:0010571, OMIM 304120.
Frontometaphyseal dysplasia (FMD1). Identifiers: Orphanet 1826, MedGen C0265293, MONDO:0015942.
Melnick-Needles syndrome (MNS). Also called: Melnick-Needles Syndrome (FLNA-MNS); MELNICK-NEEDLES OSTEODYSPLASTY; OSTEODYSPLASTY OF MELNICK AND NEEDLES. Identifiers: Orphanet 2484, MedGen C0025237, MONDO:0010650, OMIM 309350.

Allele frequency attached by ClinVar (database versions not stated): ExAC 0.00001; gnomAD 0.00006 and 0.00007; gnomAD exomes 0.00002 and 0.00018; TOPMed 0.00004.
gnomAD v4.1: 194 of 1,208,943 alleles (0.016%); highest among the groups gnomAD compares: Non-Finnish European, 0.021%; no homozygotes.

Submissions (3):

Ambry Genetics
Classification: Uncertain significance for Familial thoracic aortic aneurysm and aortic dissection. Last evaluated: 2026-04-27. Review status: criteria provided, single submitter. Criteria: Ambry Variant Classification Scheme 2023. Collection method: clinical testing. Allele origin: germline.
Comment: The p.T915N variant (also known as c.2744C>A), located in coding exon 18 of the FLNA gene, results from a C to A substitution at nucleotide position 2744. The threonine at codon 915 is replaced by asparagine, an amino acid with similar properties. This amino acid position is conserved. In addition, this alteration is predicted to be tolerated by in silico analysis. Based on the available evidence, the clinical significance of this variant remains unclear.

Mayo Clinic Laboratories, Mayo Clinic
Classification: Likely benign. Last evaluated: 2025-12-10. Review status: criteria provided, single submitter. Criteria: ACMG Guidelines, 2015. Collection method: clinical testing. Allele origin: germline. Observed: 1 variant allele.
Comment: BS2, BP4, PP2

Labcorp Genetics (formerly Invitae), Labcorp
Classification: Likely benign for Oto-palato-digital syndrome, type II; Heterotopia, periventricular, X-linked dominant; Frontometaphyseal dysplasia; Melnick-Needles syndrome. Last evaluated: 2025-09-01. Review status: criteria provided, single submitter. Criteria: Invitae Variant Classification Sherloc (09022015). Collection method: clinical testing. Allele origin: germline.

NM_001110556.2(FLNA):c.2744C>A (p.Thr915Asn)

Gene: FLNA (filamin A; minus strand). Cytogenetic location: Xq28.
Variant type: single nucleotide variant.
Coding change: c.2744C>A on transcript NM_001110556.2 (MANE Select); coding-DNA position 2744, C replaced by A.
Protein change: p.Thr915Asn; replaces threonine 915 with asparagine.
Molecular consequence: missense variant.
Genome position (GRCh38, 1-based): chrX:154,362,061, G>T on the plus strand (C>A on the coding strand, the complement: FLNA is on the minus strand). VCF-style: chrX-154362061-G-T. GRCh37 (hg19) VCF-style: chrX-153590429-G-T.
Other names: p.Thr915Asn; c.2744C>A, p.Thr915Asn (NM_001456.4); short protein forms T915N.
Identifiers: ClinVar variation 239018 (VCV000239018.12), dbSNP rs782045915, ClinGen allele CA10560852.